The following is an entry in ClinVar:

NM_007294.4(BRCA1):c.5153-10A>C

Gene: BRCA1 (BRCA1 DNA repair associated; minus strand). Cytogenetic location: 17q21.31.
Variant type: single nucleotide variant.
Coding change: c.5153-10A>C on transcript NM_007294.4 (MANE Select); 10 bases into the intron before coding-DNA position 5153, A replaced by C.
Molecular consequence: intron variant.
Genome position (GRCh38, 1-based): chr17:43,063,383, T>G on the plus strand (A>C on the coding strand, the complement: BRCA1 is on the minus strand). VCF-style: chr17-43063383-T-G. GRCh37 (hg19) VCF-style: chr17-41215400-T-G.
Other names: c.5009-10A>C (NM_001407751.1, NM_001407740.1, NM_001407739.1 and 21 more transcripts); c.4817-10A>C (NM_001407954.1, NM_001407952.1, NM_001407950.1 and 3 more transcripts); c.1577-10A>C (NM_001408504.1, NM_001408503.1, NM_001408502.1); c.1700-10A>C (NM_001408463.1, NM_001408462.1, NM_001408458.1 and 7 more transcripts); c.5006-10A>C (NM_001407847.1, NM_001407841.1, NM_001407838.1 and 12 more transcripts); c.1580-10A>C (NM_001408499.1, NM_001408498.1, NM_001408501.1 and 3 more transcripts); c.4886-10A>C (NM_001407933.1, NM_001407927.1, NM_001407931.1 and 4 more transcripts); c.4889-10A>C (NM_001407923.1, NM_001407922.1, NM_001407925.1 and 4 more transcripts); and 72 more.
Identifiers: ClinVar variation 865058 (VCV000865058.3), dbSNP rs1238384819, ClinGen allele CA916080062.

Conditions:
Breast-ovarian cancer, familial, susceptibility to, 1 (BROVCA1). Also called: BRCA1 Hereditary Breast and Ovarian Cancer; OVARIAN CANCER, SUSCEPTIBILITY TO. Identifiers: Orphanet 145, MedGen C2676676, MONDO:0011450, OMIM 604370. Disease mechanism: loss of function.

Submission:

Brotman Baty Institute, University of Washington
No classification provided (evidence only). Condition: Breast-ovarian cancer, familial 1. Review status: no classification provided. Collection method: in vitro. Allele origin: not applicable. Functional consequence: functionally_normal.
ClinVar note: "not provided" was previously submitted as the classification for the variant. However, the classification appeared to be based only on an observation of functional data so it was converted to no classification on 2025-07-30.